The following is an entry in ClinVar:

NM_000161.3(GCH1):c.453+1G>C

Gene: GCH1 (GTP cyclohydrolase 1; minus strand). Cytogenetic location: 14q22.2.
Variant type: single nucleotide variant.
Coding change: c.453+1G>C on transcript NM_000161.3 (MANE Select); the canonical splice donor site of the intron after coding-DNA position 453, G replaced by C.
Molecular consequence: splice donor variant.
Genome position (GRCh38, 1-based): chr14:54,865,326, C>G on the plus strand (G>C on the coding strand, the complement: GCH1 is on the minus strand). VCF-style: chr14-54865326-C-G. GRCh37 (hg19) VCF-style: chr14-55332044-C-G.
Other names: IVS2, G-C, +1; c.453+1G>C (NM_001024071.2, NM_001024070.2, NM_001024024.2).
Identifiers: ClinVar variation 9279 (VCV000009279.9), dbSNP rs2140073990, ClinGen allele CA389789901.
Genomic context (GRCh38, chr14:54,865,326, plus strand): 5'-TTCTAATTGAAAAACTTTCACTATGTTTTAAATTGCTGGGAAACAACAAAGAGAACCTTA[C>G]CTTTCCAACAAATGGAACCAAGTGATGCTCACACATGGAAAACATGTCTATGTCCTTCAC-3'

ClinVar aggregate classification (germline): Pathogenic. Review status: criteria provided, single submitter (1 of 4 stars). 2 submissions from 2 submitters: Pathogenic (1). 1 of the submissions does not count toward it. Last evaluated 2020-12-06.

Conditions:
Dystonia 5 (DRD). Also called: GTP Cyclohydrolase 1-Deficient Dopa-Responsive Dystonia; DYT-GCH1; DYSTONIA, PROGRESSIVE, WITH DIURNAL VARIATION; DYSTONIA-PARKINSONISM WITH DIURNAL FLUCTUATION; Dystonia, DOPA-responsive, with or without hyperphenylalaninemia. Identifiers: Orphanet 98808, MedGen C1851920, MONDO:0007495, OMIM 128230.
GTP cyclohydrolase I deficiency. Identifiers: MedGen C0268467, MONDO:0100184.

Submissions (2):

Labcorp Genetics (formerly Invitae), Labcorp
Classification: Pathogenic for GTP cyclohydrolase I deficiency; Dystonia 5. Last evaluated: 2020-12-06. Review status: criteria provided, single submitter. Criteria: Invitae Variant Classification Sherloc (09022015). Collection method: clinical testing. Allele origin: germline.
Comment: For these reasons, this variant has been classified as Pathogenic. Studies have shown that this variant is associated with skipping of exon 2, which introduces a premature termination codon (PMID: 7544125). The resulting mRNA is expected to undergo nonsense-mediated decay. Disruption of this splice site has been observed in individual(s) with dopa-responsive dystonia (PMID: 7544125, 17898029, 19491146). This variant is not present in population databases (ExAC no frequency). This sequence change affects a donor splice site in intron 2 of the GCH1 gene. RNA analysis indicates that this variant induces altered splicing and may result in an absent or disrupted protein product.

OMIM
Classification: Pathogenic for DYSTONIA, DOPA-RESPONSIVE. Last evaluated: 1998-04-01. Review status: no assertion criteria provided. Collection method: literature only. Allele origin: germline. Not counted in ClinVar's aggregate classification.

Literature cited by the submitters: PubMed 7544125 (cited by Labcorp Genetics (formerly Invitae), Labcorp); PubMed 17898029 (cited by Labcorp Genetics (formerly Invitae), Labcorp); PubMed 19491146 (cited by Labcorp Genetics (formerly Invitae), Labcorp); PubMed 9576537 (cited by OMIM).